The following is an entry in ClinVar:

NM_000540.3(RYR1):c.6016-5C>G

Gene: RYR1 (ryanodine receptor 1; plus strand). Cytogenetic location: 19q13.2.
Variant type: single nucleotide variant.
Coding change: c.6016-5C>G on transcript NM_000540.3 (MANE Select); 5 bases into the intron before coding-DNA position 6016, C replaced by G.
Molecular consequence: intron variant.
Genome position (GRCh38, 1-based): chr19:38,490,616, C>G. VCF-style: chr19-38490616-C-G. GRCh37 (hg19) VCF-style: chr19-38981256-C-G.
Other names: c.6016-5C>G (NM_001042723.2).
Identifiers: ClinVar variation 432797 (VCV000432797.42), dbSNP rs369996114, ClinGen allele CA067685.

ClinVar aggregate classification (germline): Conflicting classifications of pathogenicity. Review status: criteria provided, conflicting classifications (1 of 4 stars). 4 submissions from 4 submitters: Uncertain significance (2); Likely benign (2). Last evaluated 2025-06-04.

Conditions:
Malignant hyperthermia, susceptibility to, 1 (MHS1). Also called: Malignant hyperthermia suceptibility 1; Anesthesia related hyperthermia; Malignant hyperpyrexia; Fulminating hyperpyrexia; Pharmacogenic myopathy; RYR1-Related Malignant Hyperthermia Susceptibility. Identifiers: Orphanet 423, MedGen C2930980, MONDO:0007783, OMIM 145600.
RYR1-related disorder. Also called: RYR1-related condition; RYR1-related disorders. Identifiers: MedGen CN239331.

Allele frequency attached by ClinVar (database versions not stated): ExAC 0.00002; ESP Exome Variant Server 0.00008; gnomAD 0.00001; gnomAD exomes 0.00001; TOPMed 0.00001.
gnomAD v4.1: 14 of 1,575,534 alleles (0.00089%); highest among the groups gnomAD compares: Non-Finnish European, 0.0011%; no homozygotes.

Submissions (4):

Color Diagnostics, LLC DBA Color Health
Classification: Uncertain significance for Malignant hyperthermia, susceptibility to, 1. Last evaluated: 2025-06-04. Review status: criteria provided, single submitter. Criteria: ACMG Guidelines, 2015. Collection method: clinical testing. Allele origin: germline.
Comment: This variant causes a C to G nucleotide substitution at the -5 position of intron 36 of the RYR1 gene. To our knowledge, functional studies have not been reported for this variant. This variant has not been reported in individuals affected with RYR1-related disorders in the literature. This variant has been identified in 3/251264 chromosomes in the general population by the Genome Aggregation Database (gnomAD). The available evidence is insufficient to determine the role of this variant in disease conclusively. Therefore, this variant is classified as a Variant of Uncertain Significance.

Labcorp Genetics (formerly Invitae), Labcorp
Classification: Likely benign for RYR1-related disorder. Last evaluated: 2024-07-16. Review status: criteria provided, single submitter. Criteria: Invitae Variant Classification Sherloc (09022015). Collection method: clinical testing. Allele origin: germline.

CeGaT Center for Human Genetics Tuebingen
Classification: Likely benign. Last evaluated: 2021-04-01. Review status: criteria provided, single submitter. Criteria: CeGaT Center For Human Genetics Tuebingen Variant Classification Criteria Version 2. Collection method: clinical testing. Allele origin: germline. Affected: yes. Observed: 1 variant allele.

GeneDx
Classification: Uncertain significance. Last evaluated: 2017-06-28. Review status: criteria provided, single submitter. Criteria: GeneDx Variant Classification (06012015). Collection method: clinical testing. Allele origin: germline. Affected: yes.
Comment: A variant of uncertain significance has been identified in the RYR1 gene. The c.6016-5 C>G variant has not been published as a pathogenic variant, nor has it been reported as a benign variant to our knowledge. The c.6016-5 C>G variant is observed in 2/65980 (0.003%) alleles from individuals of European background, in the ExAC dataset (Lek et al., 2016; 1000 Genomes Consortium et al., 2015; Exome Variant Server). Several in-silico splice prediction models predict that c.6016-5 C>G may damage the natural acceptor site of intron 36 and lead to abnormal gene splicing. However, in the absence of RNA/functional studies, the actual effect of this sequence change in this individual is unknown. Therefore, based on the currently available information, it is unclear whether this variant is a pathogenic variant or a rare benign variant.